The following is an entry in ClinVar:

NM_000368.5(TSC1):c.3314A>C (p.Asp1105Ala)

Gene: TSC1 (TSC complex subunit 1; minus strand). Cytogenetic location: 9q34.13.
Variant type: single nucleotide variant.
Coding change: c.3314A>C on transcript NM_000368.5 (MANE Select); coding-DNA position 3314, A replaced by C.
Protein change: p.Asp1105Ala; replaces aspartic acid 1105 with alanine.
Molecular consequence: missense variant. On other transcripts: non-coding transcript variant (5).
Genome position (GRCh38, 1-based): chr9:132,896,416, T>G on the plus strand (A>C on the coding strand, the complement: TSC1 is on the minus strand). VCF-style: chr9-132896416-T-G. GRCh37 (hg19) VCF-style: chr9-135771803-T-G.
Other names: c.3314A>C, p.Asp1105Ala (NM_001406595.1, NM_001406596.1, NM_001406592.1 and 2 more transcripts); c.3311A>C, p.Asp1104Ala (NM_001406597.1, NM_001406598.1, NM_001406599.1 and 2 more transcripts); c.3299A>C, p.Asp1100Ala (NM_001406601.1, NM_001406602.1); c.3296A>C, p.Asp1099Ala (NM_001406603.1, NM_001406604.1); c.3161A>C, p.Asp1054Ala (NM_001162427.2, NM_001406610.1); c.2951A>C, p.Asp984Ala (NM_001362177.2, NM_001406614.1, NM_001406615.1 and 4 more transcripts); c.3272A>C, p.Asp1091Ala (NM_001406605.1, NM_001406606.1, NM_001406607.1); c.3269A>C, p.Asp1090Ala (NM_001406608.1, NM_001406609.1); and 8 more; short protein forms D1091A, D1100A, D754A, D983A, D1053A, D1099A, D1104A, D984A.
Identifiers: ClinVar variation 3329442 (VCV003329442.1).

ClinVar aggregate classification (germline): Uncertain significance (1 of 4 stars; one submission).

Conditions:
Hereditary cancer-predisposing syndrome. Also called: Neoplastic Syndromes, Hereditary; Tumor predisposition; Hereditary neoplastic syndrome; Hereditary Cancer Syndrome. Identifiers: Orphanet 140162, MedGen C0027672, MeSH D009386, MONDO:0015356.

Submission:

Ambry Genetics
Classification: Uncertain significance for Hereditary cancer-predisposing syndrome. Last evaluated: 2024-05-26. Review status: criteria provided, single submitter. Criteria: Ambry Variant Classification Scheme 2023. Collection method: clinical testing. Allele origin: germline.
Comment: The p.D1105A variant (also known as c.3314A>C), located in coding exon 21 of the TSC1 gene, results from an A to C substitution at nucleotide position 3314. The aspartic acid at codon 1105 is replaced by alanine, an amino acid with dissimilar properties. This amino acid position is conserved. In addition, the in silico prediction for this alteration is inconclusive. Based on the available evidence, the clinical significance of this variant remains unclear.